The following is an entry in ClinVar:

NM_001372.4(DNAH9):c.6996-16G>A

Gene: DNAH9 (dynein axonemal heavy chain 9; plus strand). Cytogenetic location: 17p12.
Variant type: single nucleotide variant.
Coding change: c.6996-16G>A on transcript NM_001372.4 (MANE Select); 16 bases into the intron before coding-DNA position 6996, G replaced by A.
Molecular consequence: intron variant.
Genome position (GRCh38, 1-based): chr17:11,763,424, G>A. VCF-style: chr17-11763424-G-A. GRCh37 (hg19) VCF-style: chr17-11666741-G-A.
Identifiers: ClinVar variation 1927926 (VCV001927926.4), dbSNP rs754566136, ClinGen allele CA8396492.
Genomic context (GRCh38, chr17:11,763,424, plus strand): 5'-TTCCATAGCTGTCCAACAGCACCACCAGAATGGAATATCCTCTGTGTTTCAGATCCCCTC[G>A]GGTCTCTCTTTGCAGGTTTAAGAAGATCATTCCCATCCCAGAGCAGAGCATGGTTCAGAT-3'

ClinVar aggregate classification (germline): Conflicting classifications of pathogenicity. Review status: criteria provided, conflicting classifications (1 of 4 stars). 2 submissions from 2 submitters: Uncertain significance (1); Likely benign (1). Last evaluated 2025-10-08.

Allele frequency attached by ClinVar (database versions not stated): TOPMed 0.00003; gnomAD 0.00004; ExAC 0.00006.
gnomAD v4.1: 98 of 1,611,374 alleles (0.0061%); highest among the groups gnomAD compares: Non-Finnish European, 0.0072%; no homozygotes.

Submissions (2):

Labcorp Genetics (formerly Invitae), Labcorp
Classification: Uncertain significance. Last evaluated: 2025-10-08. Review status: criteria provided, single submitter. Criteria: Invitae Variant Classification Sherloc (09022015). Collection method: clinical testing. Allele origin: germline.
Comment: This sequence change falls in intron 35 of the DNAH9 gene. It does not directly change the encoded amino acid sequence of the DNAH9 protein. This variant is present in population databases (rs754566136, gnomAD 0.007%). This variant has not been reported in the literature in individuals affected with DNAH9-related conditions. ClinVar contains an entry for this variant (Variation ID: 1927926). Algorithms developed to predict the effect of sequence changes on RNA splicing suggest that this variant may disrupt the consensus splice site. In summary, the available evidence is currently insufficient to determine the role of this variant in disease. Therefore, it has been classified as a Variant of Uncertain Significance.

Blueprint Genetics
Classification: Likely benign. Last evaluated: 2022-07-11. Review status: criteria provided, single submitter. Criteria: ACMG Guidelines, 2015. Collection method: clinical testing. Allele origin: germline.